The following is an entry in ClinVar:

NM_201596.3(CACNB2):c.972C>G (p.Asp324Glu)

Gene: CACNB2 (calcium voltage-gated channel auxiliary subunit beta 2; plus strand). Cytogenetic location: 10p12.31.
Variant type: single nucleotide variant.
Coding change: c.972C>G on transcript NM_201596.3 (MANE Select); coding-DNA position 972, C replaced by G.
Protein change: p.Asp324Glu; replaces aspartic acid 324 with glutamic acid.
Molecular consequence: missense variant.
Genome position (GRCh38, 1-based): chr10:18,527,615, C>G. VCF-style: chr10-18527615-C-G. GRCh37 (hg19) VCF-style: chr10-18816544-C-G.
Other names: c.807C>G, p.Asp269Glu (NM_000724.4); c.774C>G, p.Asp258Glu (NM_001167945.2); c.693C>G, p.Asp231Glu (NM_001330060.2); c.714C>G, p.Asp238Glu (NM_001410882.1); c.828C>G, p.Asp276Glu (NM_201570.3); c.888C>G, p.Asp296Glu (NM_201571.4); c.816C>G, p.Asp272Glu (NM_201572.4); c.810C>G, p.Asp270Glu (NM_201590.3); and 2 more; short protein forms D231E, D270E, D238E, D272E, D286E, D258E, D269E, D300E.
Identifiers: ClinVar variation 3718729 (VCV003718729.2).

ClinVar aggregate classification (germline): Uncertain significance (1 of 4 stars; one submission).

Conditions:
Brugada syndrome 4 (BRGDA4). Identifiers: Orphanet 130, MedGen C2678477, MONDO:0012743, OMIM 611876.

Submission:

Labcorp Genetics (formerly Invitae), Labcorp
Classification: Uncertain significance for Brugada syndrome 4. Last evaluated: 2024-12-15. Review status: criteria provided, single submitter. Criteria: Invitae Variant Classification Sherloc (09022015). Collection method: clinical testing. Allele origin: germline.
Comment: This sequence change replaces aspartic acid, which is acidic and polar, with glutamic acid, which is acidic and polar, at codon 270 of the CACNB2 protein (p.Asp270Glu). This variant is not present in population databases (gnomAD no frequency). This variant has not been reported in the literature in individuals affected with CACNB2-related conditions. Invitae Evidence Modeling of protein sequence and biophysical properties (such as structural, functional, and spatial information, amino acid conservation, physicochemical variation, residue mobility, and thermodynamic stability) indicates that this missense variant is expected to disrupt CACNB2 protein function with a positive predictive value of 80%. In summary, the available evidence is currently insufficient to determine the role of this variant in disease. Therefore, it has been classified as a Variant of Uncertain Significance.